The following is an entry in ClinVar:

ClinVar aggregate classification (germline): Likely pathogenic (1 of 4 stars; one submission).

Submission:

GeneDx
Classification: Likely pathogenic. Last evaluated: 2023-03-22. Review status: criteria provided, single submitter. Criteria: GeneDx Variant Classification Process June 2021. Collection method: clinical testing. Allele origin: germline. Affected: yes.
Comment: Not observed at significant frequency in large population cohorts (gnomAD); Missense variants in this gene are often considered pathogenic (HGMD); In silico analysis supports that this missense variant has a deleterious effect on protein structure/function; Has not been previously published as pathogenic or benign to our knowledge; This substitution is predicted to be within the transmembrane segment S6 of the second homologous domain; This variant is associated with the following publications: (PMID: 18076640)

NM_001165963.4(SCN1A):c.2970G>T (p.Leu990Phe)

Gene: SCN1A (sodium voltage-gated channel alpha subunit 1; minus strand). Cytogenetic location: 2q24.3.
Variant type: single nucleotide variant.
Coding change: c.2970G>T on transcript NM_001165963.4 (MANE Select); coding-DNA position 2970, G replaced by T.
Protein change: p.Leu990Phe; replaces leucine 990 with phenylalanine.
Molecular consequence: missense variant. On other transcripts: non-coding transcript variant (1).
Genome position (GRCh38, 1-based): chr2:166,036,507, C>A on the plus strand (G>T on the coding strand, the complement: SCN1A is on the minus strand). VCF-style: chr2-166036507-C-A. GRCh37 (hg19) VCF-style: chr2-166893017-C-A.
Other names: c.2886G>T, p.Leu962Phe (NM_001165964.3, NM_001353957.2, NM_001353958.2); c.2970G>T, p.Leu990Phe (NM_001202435.3, NM_001353948.2); c.2937G>T, p.Leu979Phe (NM_001353949.2, NM_001353950.2, NM_001353951.2 and 2 more transcripts); c.2934G>T, p.Leu978Phe (NM_001353954.2, NM_001353955.2); c.2883G>T, p.Leu961Phe (NM_001353960.2); c.528G>T, p.Leu176Phe (NM_001353961.2); short protein forms L176F, L961F, L962F, L978F, L979F, L990F.
Identifiers: ClinVar variation 2446163 (VCV002446163.1), dbSNP rs897883046, ClinGen allele CA349060583.